The following is an entry in ClinVar:

NM_001191057.4(PDE1C):c.708T>C (p.Val236=)

Gene: PDE1C (phosphodiesterase 1C; minus strand). Cytogenetic location: 7p14.3.
Variant type: single nucleotide variant.
Coding change: c.708T>C on transcript NM_001191057.4 (MANE Select); coding-DNA position 708, T replaced by C.
Protein change: p.Val236=; no amino-acid change (valine 236 retained).
Molecular consequence: synonymous variant.
Genome position (GRCh38, 1-based): chr7:31,864,984, A>G on the plus strand (T>C on the coding strand, the complement: PDE1C is on the minus strand). VCF-style: chr7-31864984-A-G. GRCh37 (hg19) VCF-style: chr7-31904598-A-G.
Other names: c.708T>C, p.Val236= (NM_001191056.3, NM_001191059.4, NM_001322055.2 and 3 more transcripts); c.888T>C, p.Val296= (NM_001191058.4, NM_001322058.2); c.1113T>C, p.Val371= (NM_001322059.2).
Identifiers: ClinVar variation 3033520 (VCV003033520.3), dbSNP rs61736721, ClinGen allele CA4211137.

ClinVar aggregate classification (germline): Likely benign. Review status: criteria provided, single submitter (1 of 4 stars). 2 submissions from 2 submitters: Likely benign (1). 1 of the submissions does not count toward it. Last evaluated 2024-09-13.

Conditions:
PDE1C-related disorder. Also called: PDE1C-related condition.

Allele frequency attached by ClinVar (database versions not stated): gnomAD exomes 0.00017; ExAC 0.00057; gnomAD 0.00152; TOPMed 0.00196; ESP Exome Variant Server 0.00215; 1000 Genomes Project 0.00300; 1000 Genomes Project 30x 0.00328.
gnomAD v4.1: 511 of 1,614,054 alleles (0.032%); highest among the groups gnomAD compares: African/African-American, 0.51%; 1 homozygote.

Submissions (2):

Blueprint Genetics
Classification: Likely benign. Last evaluated: 2024-09-13. Review status: criteria provided, single submitter. Criteria: ACMG Guidelines, 2015. Collection method: clinical testing. Allele origin: germline.

PreventionGenetics, part of Exact Sciences
Classification: Benign for PDE1C-related condition. Last evaluated: 2019-06-14. Review status: no assertion criteria provided. Collection method: clinical testing. Allele origin: germline. Not counted in ClinVar's aggregate classification.
Comment: This variant is classified as benign based on ACMG/AMP sequence variant interpretation guidelines (Richards et al. 2015 PMID: 25741868, with internal and published modifications).